The following is an entry in ClinVar:

NM_002907.4(RECQL):c.298A>C (p.Ile100Leu)

Gene: RECQL (RecQ like helicase; minus strand). Cytogenetic location: 12p12.1.
Variant type: single nucleotide variant.
Coding change: c.298A>C on transcript NM_002907.4 (MANE Select); coding-DNA position 298, A replaced by C.
Protein change: p.Ile100Leu; replaces isoleucine 100 with leucine.
Molecular consequence: missense variant.
Genome position (GRCh38, 1-based): chr12:21,490,295, T>G on the plus strand (A>C on the coding strand, the complement: RECQL is on the minus strand). VCF-style: chr12-21490295-T-G. GRCh37 (hg19) VCF-style: chr12-21643229-T-G.
Other names: c.298A>C, p.Ile100Leu (NM_032941.3); short protein forms I100L.
Identifiers: ClinVar variation 2450995 (VCV002450995.2), dbSNP rs1943385560, ClinGen allele CA384132994.

ClinVar aggregate classification (germline): Uncertain significance (1 of 4 stars; one submission).

Submission:

Ambry Genetics
Classification: Uncertain significance. Last evaluated: 2023-03-14. Review status: criteria provided, single submitter. Criteria: Ambry Variant Classification Scheme 2023. Collection method: clinical testing. Allele origin: germline.
Comment: The p.I100L variant (also known as c.298A>C), located in coding exon 3 of the RECQL gene, results from an A to C substitution at nucleotide position 298. The isoleucine at codon 100 is replaced by leucine, an amino acid with highly similar properties. This amino acid position is conserved. In addition, this alteration is predicted to be tolerated by in silico analysis. Since supporting evidence is limited at this time, the clinical significance of this alteration remains unclear.